The following is an entry in ClinVar:

NM_138694.4(PKHD1):c.2715+7del

Gene: PKHD1 (PKHD1 ciliary IPT domain containing fibrocystin/polyductin; minus strand). Cytogenetic location: 6p12.2.
Variant type: Deletion.
Coding change: c.2715+7del on transcript NM_138694.4 (MANE Select); 7 bases into the intron after coding-DNA position 2715, one base deleted (G; older notation c.2715+7delG).
Molecular consequence: intron variant.
Genome position (GRCh38, 1-based): chr6:52,044,959, C deleted on the plus strand (G on the coding strand, the reverse complement: PKHD1 is on the minus strand). VCF-style (leftmost placement, unchanged base first): chr6-52044958-AC-A. GRCh37 (hg19) VCF-style: chr6-51909756-AC-A.
Other names: p.?; c.2715+7del (NM_138694.3, NM_170724.3).
Identifiers: ClinVar variation 195911 (VCV000195911.26), dbSNP rs551015414, ClinGen allele CA242585.
Genomic context (GRCh38, chr6:52,044,958, plus strand): 5'-CAAATCAGTGAGGAGTGAGTTAGACTTGAAACTGGAGCTTGCACTTAGGGTGGCCCATTC[AC>A]TCTCACCTGAGTATGCTGGTTGGCAGTAGCCAACATGTCTCCAAATATGGGTCCAAGAAA-3'

ClinVar aggregate classification (germline): Benign/Likely benign. Review status: criteria provided, multiple submitters, no conflicts (2 of 4 stars). 5 submissions from 5 submitters: Benign (3); Likely benign (1). 1 of the submissions does not count toward it. Last evaluated 2026-02-04.

Conditions:
Autosomal recessive polycystic kidney disease (ARPKD). Also called: AR polycystic kidney disease. Identifiers: Orphanet 731, Orphanet 8378, MedGen C0085548, MeSH D017044, MONDO:0009889.

Allele frequency attached by ClinVar (database versions not stated): gnomAD exomes 0.00028 and 0.00075; ExAC 0.00077; gnomAD 0.00284 and 0.00313; 1000 Genomes Project 30x 0.00297; 1000 Genomes Project 0.00300; TOPMed 0.00327; ESP Exome Variant Server 0.00344.

Submissions (5):

Labcorp Genetics (formerly Invitae), Labcorp
Classification: Benign for Autosomal recessive polycystic kidney disease. Last evaluated: 2026-02-04. Review status: criteria provided, single submitter. Criteria: Invitae Variant Classification Sherloc (09022015). Collection method: clinical testing. Allele origin: germline.

Mayo Clinic Laboratories, Mayo Clinic
Classification: Likely benign. Last evaluated: 2025-07-30. Review status: criteria provided, single submitter. Criteria: ACMG Guidelines, 2015. Collection method: clinical testing. Allele origin: germline. Observed: 6 variant alleles.
Comment: BS1, BP4, BP7

Women's Health and Genetics/Laboratory Corporation of America, LabCorp
Classification: Benign. Last evaluated: 2019-09-06. Review status: criteria provided, single submitter. Criteria: LabCorp Variant Classification Summary - May 2015. Collection method: clinical testing. Allele origin: germline.
Comment: Variant summary: PKHD1 c.2715+7delG alters a non-conserved nucleotide located close to a canonical splice site and therefore could affect mRNA splicing, leading to a significantly altered protein sequence. 5/5 computational tools predict no significant impact on normal splicing. However, these predictions have yet to be confirmed by functional studies. The variant allele was found at a frequency of 0.00099 in 282696 control chromosomes, predominantly at a frequency of 0.0097 within the African or African-American subpopulation in the gnomAD database, including 2 homozygotes. The observed variant frequency within African or African-American control individuals in the gnomAD database is approximately 1.4 fold of the estimated maximal expected allele frequency for a pathogenic variant in PKHD1 causing Polycystic Kidney and Hepatic Disease phenotype (0.0071), strongly suggesting that the variant is a benign polymorphism found primarily in populations of African or African-American origin. To our knowledge, no occurrence of c.2715+7delG in individuals affected with Polycystic Kidney and Hepatic Disease and no experimental evidence demonstrating its impact on protein function have been reported. Three submitters have provided clinical-significance assessments for this variant to ClinVar after 2014 without evidence for independent evaluation and classified the variant as benign (2x)/ uncertain significance (1x). Based on the evidence outlined above, the variant was classified as benign.

Eurofins Ntd Llc (ga)
Classification: Benign. Last evaluated: 2017-03-13. Review status: criteria provided, single submitter. Criteria: EGL Classification Definitions 2015. Collection method: clinical testing. Allele origin: germline. Observed: 6 variant alleles, 6 heterozygotes.

Natera, Inc.
Classification: Benign for Autosomal recessive polycystic kidney disease. Last evaluated: 2017-08-09. Review status: no assertion criteria provided. Collection method: clinical testing. Allele origin: germline. Not counted in ClinVar's aggregate classification.